The following is an entry in ClinVar:

NM_001079802.2(FKTN):c.753G>T (p.Arg251Ser)

Gene: FKTN (fukutin; plus strand). Cytogenetic location: 9q31.2.
Variant type: single nucleotide variant.
Coding change: c.753G>T on transcript NM_001079802.2 (MANE Select); coding-DNA position 753, G replaced by T.
Protein change: p.Arg251Ser; replaces arginine 251 with serine.
Molecular consequence: missense variant. On other transcripts: non-coding transcript variant (2).
Genome position (GRCh38, 1-based): chr9:105,607,924, G>T. VCF-style: chr9-105607924-G-T. GRCh37 (hg19) VCF-style: chr9-108370205-G-T.
Other names: c.753G>T, p.Arg251Ser (NM_001198963.2, NM_001351496.2, NM_001351498.2 and 1 more transcripts); c.684G>T, p.Arg228Ser (NM_001351497.2); c.357G>T, p.Arg119Ser (NM_001351499.2, NM_001351500.2, NM_001351501.2 and 1 more transcripts); short protein forms R228S, R119S, R251S.
Identifiers: ClinVar variation 3515588 (VCV003515588.1).

ClinVar aggregate classification (germline): Uncertain significance (1 of 4 stars; one submission).

Conditions:
Cardiovascular phenotype. Identifiers: MedGen CN230736.

Submission:

Ambry Genetics
Classification: Uncertain significance for Cardiovascular phenotype. Last evaluated: 2024-09-24. Review status: criteria provided, single submitter. Criteria: Ambry Variant Classification Scheme 2023. Collection method: clinical testing. Allele origin: germline.
Comment: The p.R251S variant (also known as c.753G>T), located in coding exon 5 of the FKTN gene, results from a G to T substitution at nucleotide position 753. The arginine at codon 251 is replaced by serine, an amino acid with dissimilar properties. This amino acid position is conserved. In addition, the in silico prediction for this alteration is inconclusive. Based on the available evidence, the clinical significance of this variant remains unclear.